The following is an entry in ClinVar:

NM_000088.4(COL1A1):c.3056G>C (p.Gly1019Ala)

Gene: COL1A1 (collagen type I alpha 1 chain; minus strand). Cytogenetic location: 17q21.33.
Variant type: single nucleotide variant.
Coding change: c.3056G>C on transcript NM_000088.4 (MANE Select); coding-DNA position 3056, G replaced by C.
Protein change: p.Gly1019Ala; replaces glycine 1019 with alanine.
Molecular consequence: missense variant.
Genome position (GRCh38, 1-based): chr17:50,188,785, C>G on the plus strand (G>C on the coding strand, the complement: COL1A1 is on the minus strand). VCF-style: chr17-50188785-C-G. GRCh37 (hg19) VCF-style: chr17-48266146-C-G.
Other names: short protein forms G1019A.
Identifiers: ClinVar variation 1220206 (VCV001220206.3), dbSNP rs1135348, ClinGen allele CA291543084.

ClinVar aggregate classification (germline): Pathogenic (1 of 4 stars; one submission).

Submission:

GeneDx
Classification: Pathogenic. Last evaluated: 2019-10-07. Review status: criteria provided, single submitter. Criteria: GeneDx Variant Classification Process June 2021. Collection method: clinical testing. Allele origin: germline. Affected: yes.
Comment: Occurs in the triple helical domain and replaces the glycine in the canonical Gly-X-Y repeat; missense substitution of a canonical glycine residue is expected to disrupt normal protein folding and function, and this is an established mechanism of disease; Not observed in large population cohorts (Lek et al., 2016); In silico analysis, which includes protein predictors and evolutionary conservation, supports a deleterious effect; Has not been published in association with a COL1A1-related disorder to our knowledge; This variant is associated with the following publications: (PMID: 24273577)